The following is an entry in ClinVar:

ClinVar aggregate classification (germline): Uncertain significance (1 of 4 stars; one submission).

Conditions:
Peroxisome biogenesis disorder 11A (Zellweger). Also called: Peroxisome biogenesis disorder 11A. Identifiers: Orphanet 912, MedGen C3554000, MONDO:0013949, OMIM 614883.

Submission:

Labcorp Genetics (formerly Invitae), Labcorp
Classification: Uncertain significance for Peroxisome biogenesis disorder 11A (Zellweger). Last evaluated: 2022-03-13. Review status: criteria provided, single submitter. Criteria: Invitae Variant Classification Sherloc (09022015). Collection method: clinical testing. Allele origin: germline.
Comment: In summary, the available evidence is currently insufficient to determine the role of this variant in disease. Therefore, it has been classified as a Variant of Uncertain Significance. Algorithms developed to predict the effect of sequence changes on RNA splicing suggest that this variant may create or strengthen a splice site. Algorithms developed to predict the effect of missense changes on protein structure and function are either unavailable or do not agree on the potential impact of this missense change (SIFT: "Tolerated"; PolyPhen-2: "Probably Damaging"; Align-GVGD: "Class C35"). This variant has not been reported in the literature in individuals affected with PEX13-related conditions. This variant is not present in population databases (gnomAD no frequency). This sequence change replaces glycine, which is neutral and non-polar, with cysteine, which is neutral and slightly polar, at codon 128 of the PEX13 protein (p.Gly128Cys).

NM_002618.4(PEX13):c.382G>T (p.Gly128Cys)

Gene: PEX13 (peroxisomal biogenesis factor 13; plus strand). Cytogenetic location: 2p15.
Variant type: single nucleotide variant.
Coding change: c.382G>T on transcript NM_002618.4 (MANE Select); coding-DNA position 382, G replaced by T.
Protein change: p.Gly128Cys; replaces glycine 128 with cysteine.
Molecular consequence: missense variant.
Genome position (GRCh38, 1-based): chr2:61,031,708, G>T. VCF-style: chr2-61031708-G-T. GRCh37 (hg19) VCF-style: chr2-61258843-G-T.
Other names: short protein forms G128C.
Identifiers: ClinVar variation 2101166 (VCV002101166.4), dbSNP rs1680453602, ClinGen allele CA346942421.